The following is an entry in ClinVar:

ClinVar aggregate classification (germline): Likely benign (1 of 4 stars; one submission).

gnomAD v4.1: 4,196 of 1,600,008 alleles (0.26%); highest among the groups gnomAD compares: South Asian, 0.39%; 47 homozygotes.

Submission:

CeGaT Center for Human Genetics Tuebingen
Classification: Likely benign. Last evaluated: 2026-06-01. Review status: criteria provided, single submitter. Criteria: CeGaT Center For Human Genetics Tuebingen Variant Classification Criteria Version 2. Collection method: clinical testing. Allele origin: germline. Affected: yes. Observed: 1 variant allele.
Comment: PRB4: BP4, BS2

NM_002723.6(PRB4):c.270A>T (p.Gln90His)

Gene: PRB4 (proline rich protein BstNI subfamily 4; minus strand). Cytogenetic location: 12p13.2.
Variant type: single nucleotide variant.
Coding change: c.270A>T on transcript NM_002723.6 (MANE Select); coding-DNA position 270, A replaced by T.
Protein change: p.Gln90His; replaces glutamine 90 with histidine.
Molecular consequence: missense variant.
Genome position (GRCh38, 1-based): chr12:11,308,713, T>A on the plus strand (A>T on the coding strand, the complement: PRB4 is on the minus strand). VCF-style: chr12-11308713-T-A. GRCh37 (hg19) VCF-style: chr12-11461647-T-A.
Other names: c.270A>T, p.Gln90His (NM_001261399.3); short protein forms Q90H.
Identifiers: ClinVar variation 4872001 (VCV004872001.2).